The following is an entry in ClinVar:

NM_001953.5(TYMP):c.554T>A (p.Val185Glu)

Gene: TYMP (thymidine phosphorylase; minus strand). Cytogenetic location: 22q13.33.
Variant type: single nucleotide variant.
Coding change: c.554T>A on transcript NM_001953.5 (MANE Select); coding-DNA position 554, T replaced by A.
Protein change: p.Val185Glu; replaces valine 185 with glutamic acid.
Molecular consequence: missense variant.
Genome position (GRCh38, 1-based): chr22:50,527,680, A>T on the plus strand (T>A on the coding strand, the complement: TYMP is on the minus strand). VCF-style: chr22-50527680-A-T. GRCh37 (hg19) VCF-style: chr22-50966109-A-T.
Other names: c.554T>A, p.Val185Glu (NM_001113755.3, NM_001113756.3, NM_001257988.1 and 1 more transcripts); short protein forms V185E.
Identifiers: ClinVar variation 3897054 (VCV003897054.1).
Genomic context (GRCh38, chr22:50,527,680, plus strand): 5'-GTCACATCTCTGGCTGCATATAGGATTCCGTCCGCAGGAACCAGCTGCTCACTCTGACCC[A>T]CGATACAGCAGCCCGCCTGGTCCAGCAGCACTTGCATCTGGTCAGACATCCCCTGTTCTC-3'
Protein context (NP_001944.1, residues 175-195): VLLDQAGCCI[Val185Glu]GQSEQLVPAD

ClinVar aggregate classification (germline): Uncertain significance (1 of 4 stars; one submission).

Conditions:
Mitochondrial DNA depletion syndrome 1. Also called: POLIP SYNDROME; POLYNEUROPATHY, OPHTHALMOPLEGIA, LEUKOENCEPHALOPATHY, AND INTESTINAL PSEUDOOBSTRUCTION; Mitochondrial DNA Depletion Syndrome, MNGIE Form; Mitochondrial neurogastrointestinal encephalomyopathy syndrome; Mitochondrial DNA depletion syndrome 1 (MNGIE type); Mitochondrial Neurogastrointestinal Encephalopathy Disease. Identifiers: Orphanet 298, MedGen C4551995, MONDO:0011283, OMIM 603041.

Submission:

Kariminejad - Najmabadi Pathology & Genetics Center
Classification: Uncertain significance for Mitochondrial DNA depletion syndrome 1. Last evaluated: 2024-05-14. Review status: criteria provided, single submitter. Criteria: ACMG Guidelines, 2015. Collection method: clinical testing. Allele origin: germline. Inheritance: Autosomal recessive inheritance. Affected: yes.
Comment: PM2, PP3_Moderate